The following is an entry in ClinVar:

ClinVar aggregate classification (germline): Uncertain significance (1 of 4 stars; one submission).

Submission:

Ambry Genetics
Classification: Uncertain significance. Last evaluated: 2025-04-19. Review status: criteria provided, single submitter. Criteria: Ambry Variant Classification Scheme 2023. Collection method: clinical testing. Allele origin: germline.
Comment: The p.P264R variant (also known as c.791C>G), located in coding exon 1 of the EGLN1 gene, results from a C to G substitution at nucleotide position 791. The proline at codon 264 is replaced by arginine, an amino acid with dissimilar properties. This amino acid position is conserved. In addition, the in silico prediction for this alteration is inconclusive. Based on the available evidence, the clinical significance of this variant remains unclear.

NM_022051.3(EGLN1):c.791C>G (p.Pro264Arg)

Genes: EGLN1 (egl-9 family hypoxia inducible factor 1; minus strand), LOC129932769 (ATAC-STARR-seq lymphoblastoid active region 2730; plus strand). Cytogenetic location: 1q42.2.
Variant type: single nucleotide variant.
Coding change: c.791C>G on transcript NM_022051.3 (MANE Select); coding-DNA position 791, C replaced by G.
Protein change: p.Pro264Arg; replaces proline 264 with arginine.
Molecular consequence: missense variant.
Genome position (GRCh38, 1-based): chr1:231,421,098, G>C on the plus strand (C>G on the coding strand, the complement: EGLN1 is on the minus strand). VCF-style: chr1-231421098-G-C. GRCh37 (hg19) VCF-style: chr1-231556844-G-C.
Other names: c.791C>G, p.Pro264Arg (NM_001377260.1, NM_001377261.1); short protein forms P264R.
Identifiers: ClinVar variation 4016862 (VCV004016862.1).